The following is an entry in ClinVar:

ClinVar aggregate classification (germline): Uncertain significance (1 of 4 stars; one submission).

Conditions:
Peutz-Jeghers syndrome (PJS). Also called: Peutz-Jeghers polyposis; Periorificial lentiginosis syndrome; POLYPOSIS, HAMARTOMATOUS INTESTINAL; POLYPS-AND-SPOTS SYNDROME. Identifiers: Orphanet 2869, MedGen C0031269, MeSH D010580, MONDO:0008280, OMIM 175200.

Submission:

Labcorp Genetics (formerly Invitae), Labcorp
Classification: Uncertain significance for Peutz-Jeghers syndrome. Last evaluated: 2025-08-20. Review status: criteria provided, single submitter. Criteria: Invitae Variant Classification Sherloc (09022015). Collection method: clinical testing. Allele origin: germline.
Comment: This sequence change replaces asparagine, which is neutral and polar, with threonine, which is neutral and polar, at codon 393 of the STK11 protein (p.Asn393Thr). This variant is not present in population databases (gnomAD no frequency). This variant has not been reported in the literature in individuals affected with STK11-related conditions. ClinVar contains an entry for this variant (Variation ID: 403786). Invitae Evidence Modeling of protein sequence and biophysical properties (such as structural, functional, and spatial information, amino acid conservation, physicochemical variation, residue mobility, and thermodynamic stability) indicates that this missense variant is not expected to disrupt STK11 protein function with a negative predictive value of 95%. In summary, the available evidence is currently insufficient to determine the role of this variant in disease. Therefore, it has been classified as a Variant of Uncertain Significance.

NM_000455.5(STK11):c.1178A>C (p.Asn393Thr)

Gene: STK11 (serine/threonine kinase 11; plus strand). Cytogenetic location: 19p13.3.
Variant type: single nucleotide variant.
Coding change: c.1178A>C on transcript NM_000455.5 (MANE Select); coding-DNA position 1178, A replaced by C.
Protein change: p.Asn393Thr; replaces asparagine 393 with threonine.
Molecular consequence: missense variant.
Genome position (GRCh38, 1-based): chr19:1,226,523, A>C. VCF-style: chr19-1226523-A-C. GRCh37 (hg19) VCF-style: chr19-1226522-A-C.
Other names: short protein forms N393T.
Identifiers: ClinVar variation 403786 (VCV000403786.8), dbSNP rs1060499965, ClinGen allele CA16616240.